The following is an entry in ClinVar:

ClinVar aggregate classification (germline): Uncertain significance. Review status: criteria provided, multiple submitters, no conflicts (2 of 4 stars). 2 submissions from 2 submitters: Uncertain significance (2). Last evaluated 2021-01-19.

Conditions:
Charcot-Marie-Tooth disease type 4. Also called: Charcot-Marie-Tooth, Type 4; Charcot-Marie-Tooth disease, type IV. Identifiers: Orphanet 64749, MedGen C4082197, MONDO:0018995.
Inborn genetic diseases. Identifiers: MedGen C0950123, MeSH D030342.

Allele frequency attached by ClinVar (database versions not stated): gnomAD exomes below 0.00001.
gnomAD v4.1: 2 of 1,613,436 alleles (0.00012%); highest among the groups gnomAD compares: Non-Finnish European, 0.00017%; no homozygotes.

Submissions (2):

Ambry Genetics
Classification: Uncertain significance for Inborn genetic diseases. Last evaluated: 2021-01-19. Review status: criteria provided, single submitter. Criteria: Ambry Variant Classification Scheme 2023. Collection method: clinical testing. Allele origin: germline.
Comment: The p.D701G variant (also known as c.2102A>G), located in coding exon 19 of the SBF2 gene, results from an A to G substitution at nucleotide position 2102. The aspartic acid at codon 701 is replaced by glycine, an amino acid with similar properties. This amino acid position is not well conserved in available vertebrate species, and glycine is the reference amino acid in other vertebrate species. In addition, this alteration is predicted to be tolerated by in silico analysis. Since supporting evidence is limited at this time, the clinical significance of this alteration remains unclear.

Labcorp Genetics (formerly Invitae), Labcorp
Classification: Uncertain significance for Charcot-Marie-Tooth disease type 4. Last evaluated: 2018-12-25. Review status: criteria provided, single submitter. Criteria: Invitae Variant Classification Sherloc (09022015). Collection method: clinical testing. Allele origin: germline.
Comment: This variant has not been reported in the literature in individuals with SBF2-related conditions. In summary, the available evidence is currently insufficient to determine the role of this variant in disease. Therefore, it has been classified as a Variant of Uncertain Significance. Algorithms developed to predict the effect of sequence changes on RNA splicing suggest that this variant may create or strengthen a splice site, but this prediction has not been confirmed by published transcriptional studies. Algorithms developed to predict the effect of missense changes on protein structure and function output the following: SIFT: "Tolerated"; PolyPhen-2: "Benign"; Align-GVGD: "Class C0". The glycine amino acid residue is found in multiple mammalian species, suggesting that this missense change does not adversely affect protein function. These predictions have not been confirmed by published functional studies and their clinical significance is uncertain. This variant is not present in population databases (ExAC no frequency). This sequence change replaces aspartic acid with glycine at codon 701 of the SBF2 protein (p.Asp701Gly). The aspartic acid residue is weakly conserved and there is a moderate physicochemical difference between aspartic acid and glycine.

NM_030962.4(SBF2):c.2102A>G (p.Asp701Gly)

Genes: SBF2 (SET binding factor 2; minus strand), LOC101928008 (uncharacterized LOC101928008; plus strand). Cytogenetic location: 11p15.4.
Variant type: single nucleotide variant.
Coding change: c.2102A>G on transcript NM_030962.4 (MANE Select); coding-DNA position 2102, A replaced by G.
Protein change: p.Asp701Gly; replaces aspartic acid 701 with glycine.
Molecular consequence: missense variant.
Genome position (GRCh38, 1-based): chr11:9,856,719, T>C on the plus strand (A>G on the coding strand, the complement: SBF2 is on the minus strand). VCF-style: chr11-9856719-T-C. GRCh37 (hg19) VCF-style: chr11-9878266-T-C.
Other names: c.2102A>G, p.Asp701Gly (NM_001386339.1); c.1973A>G, p.Asp658Gly (NM_001386342.1); short protein forms D701G, D658G.
Identifiers: ClinVar variation 660130 (VCV000660130.11), dbSNP rs1590235062, ClinGen allele CA379639547.